The following is an entry in ClinVar:

NM_002738.7(PRKCB):c.*5141G>C

Gene: PRKCB (protein kinase C beta; plus strand). Cytogenetic location: 16p12.1.
Variant type: single nucleotide variant.
Coding change: c.*5141G>C on transcript NM_002738.7 (MANE Select); 5141 bases downstream of the stop codon, G replaced by C.
Molecular consequence: 3 prime UTR variant. On other transcripts: intron variant (1).
Genome position (GRCh38, 1-based): chr16:24,219,957, G>C. VCF-style: chr16-24219957-G-C. GRCh37 (hg19) VCF-style: chr16-24231278-G-C.
Other names: c.1864-4G>C (NM_212535.3).
Identifiers: ClinVar variation 4982906 (VCV004982906.1).
Genomic context (GRCh38, chr16:24,219,957, plus strand): 5'-GCGTATCTTGGTCCTGTGTCTTTCTTCTTACGCTGTGTTAATGTGTTTACTTTCCATTTG[G>C]CAGAGAGACAAGAGAGACACCTCCAACTTCGACAAAGAGTTCACCAGACAGCCTGTGGAA-3'

ClinVar aggregate classification (germline): Likely benign (1 of 4 stars; one submission).

Conditions:
PRKCB-related disorder. Also called: PRKCB-related condition.

gnomAD v4.1: 194 of 1,613,774 alleles (0.012%); highest among the groups gnomAD compares: African/African-American, 0.23%; no homozygotes.

Submission:

PreventionGenetics, part of Exact Sciences
Classification: Likely benign for PRKCB-related condition. Last evaluated: 2026-07-22. Review status: criteria provided, single submitter. Criteria: ACMG Guidelines, 2015. Collection method: clinical testing. Allele origin: germline.
Comment: This variant is classified as likely benign based on ACMG/AMP sequence variant interpretation guidelines (Richards et al. 2015 PMID: 25741868, with internal and published modifications).